The following is an entry in ClinVar:

ClinVar aggregate classification (germline): Uncertain significance (1 of 4 stars; one submission).

Submission:

Labcorp Genetics (formerly Invitae), Labcorp
Classification: Uncertain significance. Last evaluated: 2022-07-26. Review status: criteria provided, single submitter. Criteria: Invitae Variant Classification Sherloc (09022015). Collection method: clinical testing. Allele origin: germline.
Comment: This variant has not been reported in the literature in individuals affected with NLRP1-related conditions. Algorithms developed to predict the effect of sequence changes on RNA splicing suggest that this variant may disrupt the consensus splice site. In summary, the available evidence is currently insufficient to determine the role of this variant in disease. Therefore, it has been classified as a Variant of Uncertain Significance. The frequency data for this variant in the population databases is considered unreliable, as metrics indicate poor data quality at this position in the gnomAD database. This sequence change creates a premature translational stop signal (p.Gln900*) in the NLRP1 gene. It is expected to result in an absent or disrupted protein product. However, the current clinical and genetic evidence is not sufficient to establish whether loss-of-function variants in NLRP1 cause disease.

NM_033004.4(NLRP1):c.2698C>T (p.Gln900Ter)

Gene: NLRP1 (NLR family pyrin domain containing 1; minus strand). Cytogenetic location: 17p13.2.
Variant type: single nucleotide variant.
Coding change: c.2698C>T on transcript NM_033004.4 (MANE Select); coding-DNA position 2698, C replaced by T.
Protein change: p.Gln900Ter; replaces glutamine 900 with a stop codon.
Molecular consequence: nonsense.
Genome position (GRCh38, 1-based): chr17:5,541,858, G>A on the plus strand (C>T on the coding strand, the complement: NLRP1 is on the minus strand). VCF-style: chr17-5541858-G-A. GRCh37 (hg19) VCF-style: chr17-5445178-G-A.
Other names: c.2698C>T, p.Gln900Ter (NM_001033053.3, NM_014922.5, NM_033006.4 and 1 more transcripts); short protein forms Q900*.
Identifiers: ClinVar variation 1995507 (VCV001995507.4), dbSNP rs1171910404, ClinGen allele CA397378618.